The following is an entry in ClinVar:

ClinVar aggregate classification (germline): Uncertain significance. Review status: criteria provided, multiple submitters, no conflicts (2 of 4 stars). 2 submissions from 2 submitters: Uncertain significance (2). Last evaluated 2024-12-16.

Conditions:
Hereditary spastic paraplegia 39 (SPG39). Also called: Spastic Paraplegia Type 39 (SPG39); SPASTIC PARAPLEGIA 39, AUTOSOMAL RECESSIVE. Identifiers: Orphanet 139480, MedGen C2677586, MONDO:0012787, OMIM 612020.
Gait ataxia. Identifiers: MedGen C0751837, HP:0002066.
Dysarthria. Identifiers: MedGen C0013362, HP:0001260.
Cerebellar atrophy. Identifiers: MedGen C0740279, HP:0001272.

Allele frequency attached by ClinVar (database versions not stated): gnomAD 0.00001; gnomAD exomes 0.00001; TOPMed 0.00001; ExAC 0.00002.
gnomAD v4.1: 11 of 1,612,678 alleles (0.00068%); highest among the groups gnomAD compares: East Asian, 0.0067%; no homozygotes.

Submissions (2):

Labcorp Genetics (formerly Invitae), Labcorp
Classification: Uncertain significance for Hereditary spastic paraplegia 39. Last evaluated: 2024-12-16. Review status: criteria provided, single submitter. Criteria: Invitae Variant Classification Sherloc (09022015). Collection method: clinical testing. Allele origin: germline.
Comment: This sequence change replaces arginine, which is basic and polar, with histidine, which is basic and polar, at codon 1063 of the PNPLA6 protein (p.Arg1063His). This variant is present in population databases (rs777615874, gnomAD 0.01%). This missense change has been observed in individual(s) with hereditary spastic paraplegia (internal data). ClinVar contains an entry for this variant (Variation ID: 374056). Invitae Evidence Modeling of protein sequence and biophysical properties (such as structural, functional, and spatial information, amino acid conservation, physicochemical variation, residue mobility, and thermodynamic stability) indicates that this missense variant is expected to disrupt PNPLA6 protein function with a positive predictive value of 80%. In summary, the available evidence is currently insufficient to determine the role of this variant in disease. Therefore, it has been classified as a Variant of Uncertain Significance.

Centre for Mendelian Genomics, University Medical Centre Ljubljana
Classification: Uncertain significance for Cerebellar atrophy; Dysarthria; Gait ataxia. Last evaluated: 2014-05-19. Review status: criteria provided, single submitter. Criteria: ACMG Guidelines, 2015. Collection method: clinical testing. Allele origin: unknown. Affected: yes.

NM_001166114.2(PNPLA6):c.3302G>A (p.Arg1101His)

Gene: PNPLA6 (patatin like domain 6, lysophospholipase; plus strand). Cytogenetic location: 19p13.2.
Variant type: single nucleotide variant.
Coding change: c.3302G>A on transcript NM_001166114.2 (MANE Select); coding-DNA position 3302, G replaced by A.
Protein change: p.Arg1101His; replaces arginine 1101 with histidine.
Molecular consequence: missense variant.
Genome position (GRCh38, 1-based): chr19:7,557,189, G>A. VCF-style: chr19-7557189-G-A. GRCh37 (hg19) VCF-style: chr19-7622075-G-A.
Other names: c.3332G>A, p.Arg1111His (NM_001166111.2); c.3107G>A, p.Arg1036His (NM_001166112.2); c.3188G>A, p.Arg1063His (NM_001166113.1, NM_006702.5); short protein forms R1063H, R1111H, R1036H, R1101H.
Identifiers: ClinVar variation 374056 (VCV000374056.4), dbSNP rs777615874, ClinGen allele CA9140423.
Genomic context (GRCh38, chr19:7,557,189, plus strand): 5'-TGTCTGTGCGTGTTTGTGTCTGTGTGTCCCACCGCGCAGGCTCCCTGTGGCGGTACGTGC[G>A]CGCCAGCATGACGCTGTCGGGCTACCTGCCCCCGCTGTGCGACCCCAAGGACGGGCACCT-3'
Protein context (NP_001159586.1, residues 1091-1111): HKDGSLWRYV[Arg1101His]ASMTLSGYLP